The following is an entry in ClinVar:

ClinVar aggregate classification (germline): Uncertain significance (1 of 4 stars; one submission).

Submission:

CeGaT Center for Human Genetics Tuebingen
Classification: Uncertain significance. Last evaluated: 2023-04-01. Review status: criteria provided, single submitter. Criteria: CeGaT Center For Human Genetics Tuebingen Variant Classification Criteria Version 2. Collection method: clinical testing. Allele origin: germline. Affected: yes. Observed: 1 variant allele.
Comment: NPC1: PM2, PM3:Supporting

NM_000271.5(NPC1):c.309C>G (p.Asn103Lys)

Gene: NPC1 (NPC intracellular cholesterol transporter 1; minus strand). Cytogenetic location: 18q11.2.
Variant type: single nucleotide variant.
Coding change: c.309C>G on transcript NM_000271.5 (MANE Select); coding-DNA position 309, C replaced by G.
Protein change: p.Asn103Lys; replaces asparagine 103 with lysine.
Molecular consequence: missense variant.
Genome position (GRCh38, 1-based): chr18:23,568,977, G>C on the plus strand (C>G on the coding strand, the complement: NPC1 is on the minus strand). VCF-style: chr18-23568977-G-C. GRCh37 (hg19) VCF-style: chr18-21148941-G-C.
Other names: short protein forms N103K.
Identifiers: ClinVar variation 2571008 (VCV002571008.27), dbSNP rs2511341616, ClinGen allele CA401785877.
Genomic context (GRCh38, chr18:23,568,977, plus strand): 5'-AACATTCAAAAACTGACTCTGTCGAGGGCTACATGTCAGCTCACAAAACAGGTTCAGTAG[G>C]TTATAAAAACAGGATGGACATCTAAAGGAAAAGTAAATTATATTCTGCATGATCTCACAC-3'
Protein context (NP_000262.2, residues 93-113): FLSRCPSCFY[Asn103Lys]LLNLFCELTC